The following is an entry in ClinVar:

ClinVar aggregate classification (germline): Uncertain significance (1 of 4 stars; one submission).

Conditions:
Neuropathy, hereditary sensory and autonomic, type 2A (HSAN2A). Also called: ACROOSTEOLYSIS, GIACCAI TYPE; ACROOSTEOLYSIS, NEUROGENIC; MORVAN DISEASE; NEUROPATHY, CONGENITAL SENSORY; NEUROPATHY, HEREDITARY SENSORY RADICULAR, AUTOSOMAL RECESSIVE; NEUROPATHY, HEREDITARY SENSORY, TYPE IIA. Identifiers: Orphanet 970, MedGen C2752089, MONDO:0024309, OMIM 201300.
Generalized epilepsy with febrile seizures plus, type 7 (GEFSP7). Also called: GEFS+, TYPE 7. Identifiers: Orphanet 36387, MedGen C2751778, MONDO:0013470, OMIM 613863.

Submission:

Labcorp Genetics (formerly Invitae), Labcorp
Classification: Uncertain significance for Neuropathy, hereditary sensory and autonomic, type 2A; Generalized epilepsy with febrile seizures plus, type 7. Last evaluated: 2023-11-13. Review status: criteria provided, single submitter. Criteria: Invitae Variant Classification Sherloc (09022015). Collection method: clinical testing. Allele origin: germline.
Comment: This sequence change replaces threonine, which is neutral and polar, with isoleucine, which is neutral and non-polar, at codon 448 of the SCN9A protein (p.Thr448Ile). This variant is not present in population databases (gnomAD no frequency). This variant has not been reported in the literature in individuals affected with SCN9A-related conditions. Advanced modeling of protein sequence and biophysical properties (such as structural, functional, and spatial information, amino acid conservation, physicochemical variation, residue mobility, and thermodynamic stability) has been performed at Invitae for this missense variant, however the output from this modeling did not meet the statistical confidence thresholds required to predict the impact of this variant on SCN9A protein function. In summary, the available evidence is currently insufficient to determine the role of this variant in disease. Therefore, it has been classified as a Variant of Uncertain Significance.

NM_001365536.1(SCN9A):c.1343C>T (p.Thr448Ile)

Genes: SCN9A (sodium voltage-gated channel alpha subunit 9; minus strand), SCN1A-AS1 (SCN1A and SCN9A antisense RNA 1; plus strand). Cytogenetic location: 2q24.3.
Variant type: single nucleotide variant.
Coding change: c.1343C>T on transcript NM_001365536.1 (MANE Select); coding-DNA position 1343, C replaced by T.
Protein change: p.Thr448Ile; replaces threonine 448 with isoleucine.
Molecular consequence: missense variant.
Genome position (GRCh38, 1-based): chr2:166,286,595, G>A on the plus strand (C>T on the coding strand, the complement: SCN9A is on the minus strand). VCF-style: chr2-166286595-G-A. GRCh37 (hg19) VCF-style: chr2-167143105-G-A.
Other names: c.1343C>T, p.Thr448Ile (NM_002977.4); short protein forms T448I.
Identifiers: ClinVar variation 2936873 (VCV002936873.3), dbSNP rs2468041396, ClinGen allele CA349084952.